The following is an entry in ClinVar:

NM_007294.4(BRCA1):c.3682C>T (p.His1228Tyr)

Genes: BRCA1 (BRCA1 DNA repair associated; minus strand), LOC126862571 (BRD4-independent group 4 enhancer GRCh37_chr17:41243136-41244335; plus strand). Cytogenetic location: 17q21.31.
Variant type: single nucleotide variant.
Coding change: c.3682C>T on transcript NM_007294.4 (MANE Select); coding-DNA position 3682, C replaced by T.
Protein change: p.His1228Tyr; replaces histidine 1228 with tyrosine.
Molecular consequence: missense variant. On other transcripts: intron variant (135).
Genome position (GRCh38, 1-based): chr17:43,091,849, G>A on the plus strand (C>T on the coding strand, the complement: BRCA1 is on the minus strand). VCF-style: chr17-43091849-G-A. GRCh37 (hg19) VCF-style: chr17-41243866-G-A.
Other names: c.3469C>T, p.His1157Tyr (NM_001407571.1, NM_001407853.1, NM_001407894.1 and 9 more transcripts); c.3682C>T, p.His1228Tyr (NM_001407581.1, NM_001407582.1, NM_001407583.1 and 30 more transcripts); c.3679C>T, p.His1227Tyr (NM_001407587.1, NM_001407590.1, NM_001407591.1 and 22 more transcripts); c.3673C>T, p.His1225Tyr (NM_001407646.1, NM_001407647.1); c.3559C>T, p.His1187Tyr (NM_001407648.1, NM_001407664.1, NM_001407665.1 and 19 more transcripts); c.3556C>T, p.His1186Tyr (NM_001407649.1, NM_001407670.1, NM_001407671.1 and 11 more transcripts); c.3604C>T, p.His1202Tyr (NM_001407653.1, NM_001407654.1, NM_001407655.1 and 4 more transcripts); c.3601C>T, p.His1201Tyr (NM_001407659.1, NM_001407660.1, NM_001407661.1 and 1 more transcripts); and 41 more; short protein forms H1228Y, H1181Y, H1100Y, H1139Y, H1186Y, H1201Y, H360Y, H1060Y.
Identifiers: ClinVar variation 584948 (VCV000584948.22), dbSNP rs1567790599, ClinGen allele CA10594601.

ClinVar aggregate classification (germline): Conflicting classifications of pathogenicity. Review status: criteria provided, conflicting classifications (1 of 4 stars). 5 submissions from 5 submitters: Uncertain significance (4); Likely benign (1). Last evaluated 2025-07-03.

Conditions:
Hereditary breast ovarian cancer syndrome. Also called: Hereditary breast and ovarian cancer syndrome (HBOC); BRCA1- and BRCA2-Associated Hereditary Breast and Ovarian Cancer; Breast and ovarian cancer; Hereditary breast and/or ovarian cancer syndrome; Hereditary breast and ovarian cancer; Hereditary breast and ovarian cancer syndrome. Identifiers: Orphanet 145, MedGen C0677776, MeSH D061325, MONDO:0003582. Disease mechanism: loss of function.
Hereditary cancer-predisposing syndrome. Also called: Hereditary neoplastic syndrome; Neoplastic Syndromes, Hereditary; Hereditary Cancer Syndrome; Tumor predisposition. Identifiers: Orphanet 140162, MedGen C0027672, MeSH D009386, MONDO:0015356.

Submissions (5):

Ambry Genetics
Classification: Uncertain significance for Hereditary cancer-predisposing syndrome. Last evaluated: 2025-07-03. Review status: criteria provided, single submitter. Criteria: Ambry Variant Classification Scheme 2023. Collection method: clinical testing. Allele origin: germline.
Comment: The p.H1228Y variant (also known as c.3682C>T), located in coding exon 9 of the BRCA1 gene, results from a C to T substitution at nucleotide position 3682. The histidine at codon 1228 is replaced by tyrosine, an amino acid with similar properties. This amino acid position is not well conserved in available vertebrate species. In addition, the in silico prediction for this alteration is inconclusive. Since supporting evidence is limited at this time, the clinical significance of this alteration remains unclear.

University of Washington Department of Laboratory Medicine, University of Washington
Classification: Likely benign for Hereditary cancer-predisposing syndrome. Last evaluated: 2023-03-23. Review status: criteria provided, single submitter. Criteria: Dines et al. (Genet Med. 2020). Collection method: curation. Allele origin: germline.
Comment: Missense variant in a coldspot region where missense variants are very unlikely to be pathogenic (PMID:31911673).

BRCA1 coldspot (exon 11 using historical exon numbering). Reclassification based on statistical prior probability

Labcorp Genetics (formerly Invitae), Labcorp
Classification: Uncertain significance for Hereditary breast ovarian cancer syndrome. Last evaluated: 2022-03-14. Review status: criteria provided, single submitter. Criteria: Invitae Variant Classification Sherloc (09022015). Collection method: clinical testing. Allele origin: germline.
Comment: In summary, the available evidence is currently insufficient to determine the role of this variant in disease. Therefore, it has been classified as a Variant of Uncertain Significance. Advanced modeling of protein sequence and biophysical properties (such as structural, functional, and spatial information, amino acid conservation, physicochemical variation, residue mobility, and thermodynamic stability) performed at Invitae indicates that this missense variant is not expected to disrupt BRCA1 protein function. ClinVar contains an entry for this variant (Variation ID: 584948). This missense change has been observed in individual(s) with ovarian cancer (PMID: 28692638). This variant is not present in population databases (gnomAD no frequency). This sequence change replaces histidine, which is basic and polar, with tyrosine, which is neutral and polar, at codon 1228 of the BRCA1 protein (p.His1228Tyr).

Blueprint Genetics
Classification: Uncertain significance. Last evaluated: 2021-05-06. Review status: criteria provided, single submitter. Criteria: ACMG Guidelines, 2015. Collection method: clinical testing. Allele origin: germline.

Mendelics
Classification: Uncertain significance for Hereditary breast and ovarian cancer syndrome. Last evaluated: 2018-07-02. Review status: criteria provided, single submitter. Criteria: Mendelics Assertion Criteria 2017. Collection method: clinical testing. Allele origin: unknown.

Literature cited by the submitters: PubMed 28692638 (cited by Labcorp Genetics (formerly Invitae), Labcorp).